The following is an entry in ClinVar:

ClinVar aggregate classification (germline): Uncertain significance (1 of 4 stars; one submission).

Allele frequency attached by ClinVar (database versions not stated): gnomAD exomes below 0.00001.

Submission:

Labcorp Genetics (formerly Invitae), Labcorp
Classification: Uncertain significance. Last evaluated: 2022-04-08. Review status: criteria provided, single submitter. Criteria: Invitae Variant Classification Sherloc (09022015). Collection method: clinical testing. Allele origin: germline.
Comment: In summary, the available evidence is currently insufficient to determine the role of this variant in disease. Therefore, it has been classified as a Variant of Uncertain Significance. Algorithms developed to predict the effect of missense changes on protein structure and function output the following: SIFT: "Deleterious"; PolyPhen-2: "Benign"; Align-GVGD: "Class C15". The asparagine amino acid residue is found in multiple mammalian species, which suggests that this missense change does not adversely affect protein function. This variant has not been reported in the literature in individuals affected with LSR-related conditions. This variant is present in population databases (no rsID available, gnomAD 0.003%). This sequence change replaces aspartic acid, which is acidic and polar, with asparagine, which is neutral and polar, at codon 146 of the LSR protein (p.Asp146Asn).

NM_205834.4(LSR):c.292G>A (p.Asp98Asn)

Gene: LSR (lipolysis stimulated lipoprotein receptor; plus strand). Cytogenetic location: 19q13.12.
Variant type: single nucleotide variant.
Coding change: c.292G>A on transcript NM_205834.4 (MANE Select); coding-DNA position 292, G replaced by A.
Protein change: p.Asp98Asn; replaces aspartic acid 98 with asparagine.
Molecular consequence: missense variant.
Genome position (GRCh38, 1-based): chr19:35,250,497, G>A. VCF-style: chr19-35250497-G-A. GRCh37 (hg19) VCF-style: chr19-35741400-G-A.
Other names: c.292G>A, p.Asp98Asn (NM_001260489.2, NM_001260490.2, NM_001385215.1 and 2 more transcripts); short protein forms D98N.
Identifiers: ClinVar variation 1911683 (VCV001911683.5), dbSNP rs1196649837, ClinGen allele CA405286026.
Genomic context (GRCh38, chr19:35,250,497, plus strand): 5'-TGGAAGTACAAGTCTTTCTGCCGGGACCGCATCGCCGATGCCTTCTCCCCGGCCAGCGTC[G>A]ACAACCAGCTCAATGCCCAGCTGGCAGCCGGGAACCCAGGCTACAACCCCTACGTTGAGT-3'
Protein context (NP_991403.2, residues 88-108): IADAFSPASV[Asp98Asn]NQLNAQLAAG